The following is an entry in ClinVar:

ClinVar aggregate classification (germline): Uncertain significance (1 of 4 stars; one submission).

gnomAD v4.1: 2 of 1,546,524 alleles (0.00013%); highest among the groups gnomAD compares: South Asian, 0.0012%; no homozygotes.

Submission:

Labcorp Genetics (formerly Invitae), Labcorp
Classification: Uncertain significance. Last evaluated: 2025-11-27. Review status: criteria provided, single submitter. Criteria: Invitae Variant Classification Sherloc (09022015). Collection method: clinical testing. Allele origin: germline.
Comment: This sequence change falls in intron 23 of the CLCN7 gene. It does not directly change the encoded amino acid sequence of the CLCN7 protein. It affects a nucleotide within the consensus splice site. This variant is not present in population databases (gnomAD no frequency). This variant has not been reported in the literature in individuals affected with CLCN7-related conditions. Variants that disrupt the consensus splice site are a relatively common cause of aberrant splicing (PMID: 17576681, 9536098). Algorithms developed to predict the effect of sequence changes on RNA splicing suggest that this variant is not likely to affect RNA splicing. In summary, the available evidence is currently insufficient to determine the role of this variant in disease. Therefore, it has been classified as a Variant of Uncertain Significance.

Literature cited by the submitters: PubMed 17576681; PubMed 9536098.

NM_001287.6(CLCN7):c.2250+4T>C

Gene: CLCN7 (chloride voltage-gated channel 7; minus strand). Cytogenetic location: 16p13.3.
Variant type: single nucleotide variant.
Coding change: c.2250+4T>C on transcript NM_001287.6 (MANE Select); 4 bases into the intron after coding-DNA position 2250, T replaced by C.
Molecular consequence: intron variant.
Genome position (GRCh38, 1-based): chr16:1,447,388, A>G on the plus strand (T>C on the coding strand, the complement: CLCN7 is on the minus strand). VCF-style: chr16-1447388-A-G. GRCh37 (hg19) VCF-style: chr16-1497389-A-G.
Other names: c.2178+4T>C (NM_001114331.3).
Identifiers: ClinVar variation 4727119 (VCV004727119.1).